The following is an entry in ClinVar:

ClinVar aggregate classification (germline): Uncertain significance (1 of 4 stars; one submission).

gnomAD v4.1: 3 of 1,614,104 alleles (0.00019%); highest among the groups gnomAD compares: South Asian, 0.0011%; no homozygotes.

Submission:

GeneDx
Classification: Uncertain significance. Last evaluated: 2023-06-23. Review status: criteria provided, single submitter. Criteria: GeneDx Variant Classification Process June 2021. Collection method: clinical testing. Allele origin: germline. Affected: yes.
Comment: Not observed at significant frequency in large population cohorts (gnomAD); In silico analysis supports that this missense variant does not alter protein structure/function; Has not been previously published as pathogenic or benign to our knowledge

NM_020791.4(TAOK1):c.2838C>A (p.His946Gln)

Gene: TAOK1 (TAO kinase 1; plus strand). Cytogenetic location: 17q11.2.
Variant type: single nucleotide variant.
Coding change: c.2838C>A on transcript NM_020791.4 (MANE Select); coding-DNA position 2838, C replaced by A.
Protein change: p.His946Gln; replaces histidine 946 with glutamine.
Molecular consequence: missense variant.
Genome position (GRCh38, 1-based): chr17:29,542,854, C>A. VCF-style: chr17-29542854-C-A. GRCh37 (hg19) VCF-style: chr17-27869872-C-A.
Other names: c.2394C>A, p.His798Gln (NM_025142.1); short protein forms H798Q, H946Q.
Identifiers: ClinVar variation 3360384 (VCV003360384.1).